The following is an entry in ClinVar:

NM_000465.4(BARD1):c.77T>G (p.Met26Arg)

Gene: BARD1 (BRCA1 associated RING domain 1; minus strand). Cytogenetic location: 2q35.
Variant type: single nucleotide variant.
Coding change: c.77T>G on transcript NM_000465.4 (MANE Select); coding-DNA position 77, T replaced by G.
Protein change: p.Met26Arg; replaces methionine 26 with arginine.
Molecular consequence: missense variant. On other transcripts: non-coding transcript variant (3).
Genome position (GRCh38, 1-based): chr2:214,809,493, A>C on the plus strand (T>G on the coding strand, the complement: BARD1 is on the minus strand). VCF-style: chr2-214809493-A-C. GRCh37 (hg19) VCF-style: chr2-215674217-A-C.
Other names: c.77T>G, p.Met26Arg (NM_001282543.2, NM_001282545.2, NM_001282548.2 and 1 more transcripts); short protein forms M26R.
Identifiers: ClinVar variation 419133 (VCV000419133.26), dbSNP rs759957629, ClinGen allele CA2090523.

ClinVar aggregate classification (germline): Uncertain significance. Review status: criteria provided, multiple submitters, no conflicts (2 of 4 stars). 6 submissions from 6 submitters: Uncertain significance (6). Last evaluated 2025-08-15.

Conditions:
Hereditary cancer-predisposing syndrome. Also called: Hereditary neoplastic syndrome; Tumor predisposition; Neoplastic Syndromes, Hereditary; Hereditary Cancer Syndrome. Identifiers: Orphanet 140162, MedGen C0027672, MeSH D009386, MONDO:0015356.
Familial cancer of breast. Also called: Hereditary breast cancer; BREAST CANCER, FAMILIAL; hereditary breast carcinoma. Identifiers: Orphanet 227535, MedGen C0346153, MONDO:0016419, OMIM 114480. Disease mechanism: loss of function.

Allele frequency attached by ClinVar (database versions not stated): TOPMed 0.00001; gnomAD 0.00003.
gnomAD v4.1: 15 of 1,607,596 alleles (0.00093%); highest among the groups gnomAD compares: Non-Finnish European, 0.0012%; no homozygotes.

Submissions (6):

Labcorp Genetics (formerly Invitae), Labcorp
Classification: Uncertain significance for Familial cancer of breast. Last evaluated: 2025-08-15. Review status: criteria provided, single submitter. Criteria: Invitae Variant Classification Sherloc (09022015). Collection method: clinical testing. Allele origin: germline.
Comment: This sequence change replaces methionine, which is neutral and non-polar, with arginine, which is basic and polar, at codon 26 of the BARD1 protein (p.Met26Arg). This variant is present in population databases (rs759957629, gnomAD 0.007%). This missense change has been observed in individual(s) with BARD1-related conditions (PMID: 34326862, 35264596). ClinVar contains an entry for this variant (Variation ID: 419133). An algorithm developed to predict the effect of missense changes on protein structure and function (PolyPhen-2) suggests that this variant is likely to be tolerated. In summary, the available evidence is currently insufficient to determine the role of this variant in disease. Therefore, it has been classified as a Variant of Uncertain Significance.

Ambry Genetics
Classification: Uncertain significance for Hereditary cancer-predisposing syndrome. Last evaluated: 2025-04-08. Review status: criteria provided, single submitter. Criteria: Ambry Variant Classification Scheme 2023. Collection method: clinical testing. Allele origin: germline.
Comment: The p.M26R variant (also known as c.77T>G), located in coding exon 1 of the BARD1 gene, results from a T to G substitution at nucleotide position 77. The methionine at codon 26 is replaced by arginine, an amino acid with similar properties. This alteration was detected in a cohort of 1663 Brazilian breast cancer patients who underwent hereditary multigene panel testing (Guindalini RSC et al. Sci Rep, 2022 Mar;12:4190). This amino acid position is highly conserved in available vertebrate species. In addition, the in silico prediction for this alteration is inconclusive. Since supporting evidence is limited at this time, the clinical significance of this alteration remains unclear.

GeneDx
Classification: Uncertain significance. Last evaluated: 2024-04-30. Review status: criteria provided, single submitter. Criteria: GeneDx Variant Classification Process June 2021. Collection method: clinical testing. Allele origin: germline. Affected: yes.
Comment: In silico analysis indicates that this missense variant does not alter protein structure/function; Not observed at significant frequency in large population cohorts (gnomAD); This variant is associated with the following publications: (PMID: 18480049, 34326862, 35264596)

Quest Diagnostics Nichols Institute San Juan Capistrano
Classification: Uncertain significance. Last evaluated: 2022-10-28. Review status: criteria provided, single submitter. Criteria: Quest Diagnostics criteria. Collection method: clinical testing. Allele origin: unknown.
Comment: The variant has not been reported in individuals with BARD1-related conditions in the published literature. The frequency of this variant in the general population, 0.000032 (1/31380 chromosomes), is uninformative in assessment of its pathogenicity. Analysis of this variant using bioinformatics tools for the prediction of the effect of amino acid changes on protein structure and function yielded conflicting predictions that this variant is deleterious or benign. Based on the available information, we are unable to determine the clinical significance of this variant.

Color Diagnostics, LLC DBA Color Health
Classification: Uncertain significance for Hereditary cancer-predisposing syndrome. Last evaluated: 2020-12-09. Review status: criteria provided, single submitter. Criteria: ACMG Guidelines, 2015. Collection method: clinical testing. Allele origin: germline.
Comment: This missense variant replaces methionine with arginine at codon 26 of the BARD1 protein. Computational prediction is inconclusive regarding the impact of this variant on protein structure and function (internally defined REVEL score threshold 0.5 < inconclusive < 0.7, PMID: 27666373). To our knowledge, functional studies have not been reported for this variant. This variant has not been reported in individuals affected with hereditary cancer in the literature. This variant has been identified in 1/31380 chromosomes in the general population by the Genome Aggregation Database (gnomAD). The available evidence is insufficient to determine the role of this variant in disease conclusively. Therefore, this variant is classified as a Variant of Uncertain Significance.

Mendelics
Classification: Uncertain significance for Familial cancer of breast. Last evaluated: 2018-07-02. Review status: criteria provided, single submitter. Criteria: Mendelics Assertion Criteria 2017. Collection method: clinical testing. Allele origin: unknown.

Literature cited by the submitters: PubMed 34326862 (cited by Labcorp Genetics (formerly Invitae), Labcorp); PubMed 35264596 (cited by Labcorp Genetics (formerly Invitae), Labcorp and Ambry Genetics).